The following is an entry in ClinVar:

ClinVar aggregate classification (germline): Uncertain significance. Review status: criteria provided, multiple submitters, no conflicts (2 of 4 stars). 2 submissions from 2 submitters: Uncertain significance (2). Last evaluated 2025-06-01.

Conditions:
Atrial fibrillation, familial, 6 (ATFB6). Identifiers: MedGen C2677294, MONDO:0012816, OMIM 612201.

Submissions (2):

Labcorp Genetics (formerly Invitae), Labcorp
Classification: Uncertain significance for Atrial fibrillation, familial, 6. Last evaluated: 2025-06-01. Review status: criteria provided, single submitter. Criteria: Invitae Variant Classification Sherloc (09022015). Collection method: clinical testing. Allele origin: germline.
Comment: This sequence change creates a premature translational stop signal (p.Leu77Serfs*35) in the NPPA gene. It is expected to result in an absent or disrupted protein product. However, the current clinical and genetic evidence is not sufficient to establish whether loss-of-function variants in NPPA cause disease. This variant is present in population databases (rs761550841, gnomAD 0.005%). This variant has not been reported in the literature in individuals affected with NPPA-related conditions. ClinVar contains an entry for this variant (Variation ID: 2136334). In summary, the available evidence is currently insufficient to determine the role of this variant in disease. Therefore, it has been classified as a Variant of Uncertain Significance.

CeGaT Center for Human Genetics Tuebingen
Classification: Uncertain significance. Last evaluated: 2023-06-01. Review status: criteria provided, single submitter. Criteria: CeGaT Center For Human Genetics Tuebingen Variant Classification Criteria Version 2. Collection method: clinical testing. Allele origin: germline. Affected: yes. Observed: 1 variant allele.
Comment: NPPA: PM2

NM_006172.4(NPPA):c.229del (p.Leu77fs)

Genes: NPPA (natriuretic peptide A; minus strand), NPPA-AS1 (NPPA antisense RNA 1; plus strand), LOC114827827 (VISTA enhancer hs2123; plus strand). Cytogenetic location: 1p36.22.
Variant type: Deletion.
Coding change: c.229del on transcript NM_006172.4 (MANE Select); coding-DNA position 229, one base deleted (C; older notation c.229delC).
Protein change: p.Leu77fs; shifts the reading frame from leucine 77.
Molecular consequence: frameshift variant.
Genome position (GRCh38, 1-based): chr1:11,847,334, G deleted on the plus strand (C on the coding strand, the reverse complement: NPPA is on the minus strand); the first of 5 consecutive G bases (chr1:11,847,334-11,847,338); deleting any one gives the same sequence. VCF-style (leftmost placement, unchanged base first): chr1-11847333-AG-A. GRCh37 (hg19) VCF-style: chr1-11907390-AG-A.
Other names: short protein forms L77fs.
Identifiers: ClinVar variation 2136334 (VCV002136334.28), dbSNP rs761550841, ClinGen allele CA597052.